The following is an entry in ClinVar:

ClinVar aggregate classification (germline): Uncertain significance (1 of 4 stars; one submission).

Submission:

Labcorp Genetics (formerly Invitae), Labcorp
Classification: Uncertain significance. Last evaluated: 2026-01-06. Review status: criteria provided, single submitter. Criteria: Invitae Variant Classification Sherloc (09022015). Collection method: clinical testing. Allele origin: germline.
Comment: This variant, c.1678_1689dup, results in the insertion of 4 amino acid(s) of the GHR protein (p.Leu560_Glu563dup), but otherwise preserves the integrity of the reading frame. This variant is present in population databases (rs769854779, gnomAD 0.0009%). This variant has not been reported in the literature in individuals affected with GHR-related conditions. In summary, the available evidence is currently insufficient to determine the role of this variant in disease. Therefore, it has been classified as a Variant of Uncertain Significance.

NM_000163.5(GHR):c.1678_1689dup (p.Glu563_Asp564insLeuAsnGlnGlu)

Gene: GHR (growth hormone receptor; plus strand). Cytogenetic location: 5p12.
Variant type: Duplication.
Coding change: c.1678_1689dup on transcript NM_000163.5 (MANE Select); coding-DNA positions 1678 to 1689, 12 bases duplicated (TTAAACCAAGAG).
Protein change: p.Glu563_Asp564insLeuAsnGlnGlu.
Molecular consequence: inframe insertion. On other transcripts: 3 prime UTR variant (1).
Genome position (GRCh38, 1-based): chr5:42,719,185-42,719,196, TTAAACCAAGAG duplicated. VCF-style (leftmost placement, unchanged base first): chr5-42719184-C-CTTAAACCAAGAG. GRCh37 (hg19) VCF-style: chr5-42719286-C-CTTAAACCAAGAG.
Other names: c.1699_1710dup, p.Glu570_Asp571insLeuAsnGlnGlu (NM_001242399.2); c.1678_1689dup, p.Glu563_Asp564insLeuAsnGlnGlu (NM_001242400.2, NM_001242401.4, NM_001242402.2 and 4 more transcripts); c.1612_1623dup, p.Glu541_Asp542insLeuAsnGlnGlu (NM_001242460.2); c.*720_*731dup (NM_001242462.1).
Identifiers: ClinVar variation 4752309 (VCV004752309.1).